The following is an entry in ClinVar:

ClinVar aggregate classification (germline): Likely benign. Review status: reviewed by expert panel (3 of 4 stars). 4 submissions from 4 submitters: Likely benign (1). 3 of the submissions do not count toward it. Last evaluated 2024-02-23.

Conditions:
Inborn genetic diseases. Identifiers: MedGen C0950123, MeSH D030342.
Pitt-Hopkins syndrome (PTHS). Also called: ENCEPHALOPATHY, SEVERE EPILEPTIC, WITH AUTONOMIC DYSFUNCTION; MENTAL RETARDATION, SYNDROMAL, WITH INTERMITTENT HYPERVENTILATION. Identifiers: Orphanet 2896, MedGen C1970431, MONDO:0012589, OMIM 610954.

Allele frequency attached by ClinVar (database versions not stated): gnomAD exomes 0.00001; ExAC 0.00002; TOPMed 0.00002; gnomAD 0.00003.
gnomAD v4.1: 24 of 1,614,056 alleles (0.0015%); highest among the groups gnomAD compares: Non-Finnish European, 0.002%; no homozygotes.

Submissions (4):

ClinGen Rett and Angelman-like Disorders Variant Curation Expert Panel
Classification: Likely benign for Pitt-Hopkins syndrome. Last evaluated: 2024-02-23. Review status: reviewed by expert panel. Criteria: ClinGen RettAS ACMG Specifications TCF4 V3.0.0. Collection method: curation. Allele origin: germline. Inheritance: Autosomal dominant inheritance.
Comment: The c.1486+4G>C variant in TCF4 is present in 2 XX and 1 XY individual(s) in gnomAD v2 (0.005%) (not sufficient to meet BS1 criteria). Splice prediction analysis, using multiple computational tools does not suggest an impact to splicing (BP4). The c.1486+4G>C variant is observed in at least 2 unaffected individuals (internal database - GeneDx, internal database - Invitae) (BS2). The c.1486+4G>C variant is found in a patient with an alternate molecular basis of disease (internal database - Invitae) (BP5). In summary, the c.1486+4G>C variant in TCF4 is classified as likely benign based on the ACMG/AMP criteria (BP4, BS2, BP5).

Labcorp Genetics (formerly Invitae), Labcorp
Classification: Benign for Pitt-Hopkins syndrome. Last evaluated: 2025-04-17. Review status: criteria provided, single submitter. Criteria: Invitae Variant Classification Sherloc (09022015). Collection method: clinical testing. Allele origin: germline. Not counted in ClinVar's aggregate classification.

Ambry Genetics
Classification: Uncertain significance for Inborn genetic diseases. Last evaluated: 2017-03-21. Review status: criteria provided, single submitter. Criteria: Ambry Variant Classification Scheme 2023. Collection method: clinical testing. Allele origin: germline. Not counted in ClinVar's aggregate classification.
Comment: The c.1486+4G>C intronic variant results from a G to C substitution 4 nucleotides after coding exon 15 in the TCF4 gene. This nucleotide position is not well conserved in available vertebrate species. Using the BDGP and ESEfinder splice site prediction tools, this alteration is not predicted to have any significant effect on this splice donor site; however, direct evidence is unavailable. Since supporting evidence is limited at this time, the clinical significance of this alteration remains unclear.

GeneDx
Classification: Likely benign. Last evaluated: 2017-03-01. Review status: criteria provided, single submitter. Criteria: GeneDx Variant Classification (06012015). Collection method: clinical testing. Allele origin: germline. Affected: yes. Not counted in ClinVar's aggregate classification.
Comment: This variant is considered likely benign or benign based on one or more of the following criteria: it is a conservative change, it occurs at a poorly conserved position in the protein, it is predicted to be benign by multiple in silico algorithms, and/or has population frequency not consistent with disease.

NM_001083962.2(TCF4):c.1486+4G>C

Gene: TCF4 (transcription factor 4; minus strand). Cytogenetic location: 18q21.2.
Variant type: single nucleotide variant.
Coding change: c.1486+4G>C on transcript NM_001083962.2 (MANE Select); 4 bases into the intron after coding-DNA position 1486, G replaced by C.
Molecular consequence: intron variant.
Genome position (GRCh38, 1-based): chr18:55,234,544, C>G on the plus strand (G>C on the coding strand, the complement: TCF4 is on the minus strand). VCF-style: chr18-55234544-C-G. GRCh37 (hg19) VCF-style: chr18-52901775-C-G.
Other names: c.1792+4G>C (NM_001243226.3); c.1411+4G>C (NM_001369584.1, NM_001369576.1, NM_001369577.1 and 6 more transcripts); c.1414+4G>C (NM_001369582.1, NM_001243227.2, NM_001369583.1 and 5 more transcripts); c.1417+4G>C (NM_001369586.1); c.1486+4G>C (NM_001369571.1, NM_001369567.1, NM_001369572.1 and 2 more transcripts); c.1504+4G>C (NM_001243228.2); c.1477+4G>C (NM_001243230.2); c.1483+4G>C (NM_001369569.1, NM_001369573.1, NM_001369570.1 and 2 more transcripts); and 6 more.
Identifiers: ClinVar variation 516726 (VCV000516726.16), dbSNP rs201274415, ClinGen allele CA8970200.
Genomic context (GRCh38, chr18:55,234,544, plus strand): 5'-TGGGTATCAACACTGGTCCTATTGTGAAAGTGAGGTCAGAAGTGCCCTGGTGAGGCCAAC[C>G]TACCTCTGTAAGGGTCCTGGGGTGGGTTCAGGTCAGGGGAAGTCGCAGACTGGACAGGAA-3'